The following is an entry in ClinVar:

ClinVar aggregate classification (germline): Benign (1 of 4 stars; one submission).

Conditions:
Hereditary cancer-predisposing syndrome. Also called: Tumor predisposition; Hereditary Cancer Syndrome; Hereditary neoplastic syndrome; Neoplastic Syndromes, Hereditary. Identifiers: Orphanet 140162, MedGen C0027672, MeSH D009386, MONDO:0015356.

Submission:

GeneDx
Classification: Benign for Neoplastic Syndromes, Hereditary. Last evaluated: 2013-09-11. Review status: criteria provided, single submitter. Criteria: GeneDx Variant Classification (06012015). Collection method: clinical testing. Allele origin: germline. Affected: yes.
Comment: The variant is found in HEREDICANCER panel(s).

NM_001166108.2(PALLD):c.3359-24CT[5]

Genes: CBR4 (carbonyl reductase 4; minus strand), PALLD (palladin, cytoskeletal associated protein; plus strand). Cytogenetic location: 4q32.3.
Variant type: Microsatellite.
Coding change: c.3359-24CT[5] on transcript NM_001166108.2 (MANE Select); five copies in a row of the 2-base unit CT starting at c.3359-24; the reference has six copies in a row; one copy, 2 bases deleted.
Molecular consequence: intron variant.
Genome position (GRCh38, 1-based): chr4:168,925,219-168,925,220, CT deleted; deleting any 2 consecutive bases within chr4:168,925,209-168,925,220 gives the same sequence; the position shown is the placement nearest the transcript's 3' end. VCF-style (leftmost placement, unchanged base first): chr4-168925208-GCT-G. GRCh37 (hg19) VCF-style: chr4-169846359-GCT-G.
Other names: c.3308-24CT[5] (NM_016081.4); c.2161+131CT[5] (NM_001166109.2); c.1846+131CT[5] (NM_001166110.2); c.1238-24CT[5] (NM_001367570.1); c.1237+131CT[5] (NM_001367568.1); c.1187-24CT[5] (NM_001367567.1); c.1186+131CT[5] (NM_001367569.1); c.3308-14_3308-13delCT (NM_016081.3).
Identifiers: ClinVar variation 182795 (VCV000182795.4), dbSNP rs536545858, ClinGen allele CA299812.